The following is an entry in ClinVar:

NM_001197104.2(KMT2A):c.7684A>G (p.Ile2562Val)

Gene: KMT2A (lysine methyltransferase 2A; plus strand). Cytogenetic location: 11q23.3.
Variant type: single nucleotide variant.
Coding change: c.7684A>G on transcript NM_001197104.2 (MANE Select); coding-DNA position 7684, A replaced by G.
Protein change: p.Ile2562Val; replaces isoleucine 2562 with valine.
Molecular consequence: missense variant.
Genome position (GRCh38, 1-based): chr11:118,503,576, A>G. VCF-style: chr11-118503576-A-G. GRCh37 (hg19) VCF-style: chr11-118374291-A-G.
Other names: c.7774A>G, p.Ile2592Val (NM_001412597.1); c.7675A>G, p.Ile2559Val (NM_005933.4); short protein forms I2592V, I2562V, I2559V.
Identifiers: ClinVar variation 2135621 (VCV002135621.4), dbSNP rs1334054463, ClinGen allele CA382806539.

ClinVar aggregate classification (germline): Uncertain significance (1 of 4 stars; one submission).

Allele frequency attached by ClinVar (database versions not stated): gnomAD exomes below 0.00001; gnomAD 0.00001; TOPMed 0.00001.
gnomAD v4.1: 6 of 1,614,006 alleles (0.00037%); highest among the groups gnomAD compares: African/African-American, 0.0027%; no homozygotes.

Submission:

Labcorp Genetics (formerly Invitae), Labcorp
Classification: Uncertain significance. Last evaluated: 2022-09-09. Review status: criteria provided, single submitter. Criteria: Invitae Variant Classification Sherloc (09022015). Collection method: clinical testing. Allele origin: germline.
Comment: This sequence change replaces isoleucine, which is neutral and non-polar, with valine, which is neutral and non-polar, at codon 2562 of the KMT2A protein (p.Ile2562Val). This variant is present in population databases (no rsID available, gnomAD 0.004%). This variant has not been reported in the literature in individuals affected with KMT2A-related conditions. Advanced modeling of protein sequence and biophysical properties (such as structural, functional, and spatial information, amino acid conservation, physicochemical variation, residue mobility, and thermodynamic stability) performed at Invitae indicates that this missense variant is not expected to disrupt KMT2A protein function. In summary, the available evidence is currently insufficient to determine the role of this variant in disease. Therefore, it has been classified as a Variant of Uncertain Significance.